The following is an entry in ClinVar:

NM_002691.4(POLD1):c.3244C>A (p.Arg1082Ser)

Gene: POLD1 (DNA polymerase delta 1, catalytic subunit; plus strand). Cytogenetic location: 19q13.33.
Variant type: single nucleotide variant.
Coding change: c.3244C>A on transcript NM_002691.4 (MANE Select); coding-DNA position 3244, C replaced by A.
Protein change: p.Arg1082Ser; replaces arginine 1082 with serine.
Molecular consequence: missense variant. On other transcripts: non-coding transcript variant (1).
Genome position (GRCh38, 1-based): chr19:50,417,867, C>A. VCF-style: chr19-50417867-C-A. GRCh37 (hg19) VCF-style: chr19-50921124-C-A.
Other names: c.3244C>A, p.Arg1082Ser (NM_001256849.1); c.3322C>A, p.Arg1108Ser (NM_001308632.1); short protein forms R1082S, R1108S.
Identifiers: ClinVar variation 2837673 (VCV002837673.3), dbSNP rs1307047144, ClinGen allele CA406987747.

ClinVar aggregate classification (germline): Uncertain significance (1 of 4 stars; one submission).

Conditions:
POLD1-related polyposis and colorectal cancer syndrome (CRCS10). Also called: Colorectal cancer 10; COLORECTAL CANCER, SUSCEPTIBILITY TO, ON CHROMOSOME 19q; Colorectal cancer, susceptibility to, 10. Identifiers: Orphanet 220460, MedGen C2675481, MONDO:0012953, OMIM 612591.

Submission:

Labcorp Genetics (formerly Invitae), Labcorp
Classification: Uncertain significance for POLD1-related polyposis and colorectal cancer syndrome. Last evaluated: 2023-02-15. Review status: criteria provided, single submitter. Criteria: Invitae Variant Classification Sherloc (09022015). Collection method: clinical testing. Allele origin: germline.
Comment: This sequence change replaces arginine, which is basic and polar, with serine, which is neutral and polar, at codon 1082 of the POLD1 protein (p.Arg1082Ser). This variant is not present in population databases (gnomAD no frequency). This variant has not been reported in the literature in individuals affected with POLD1-related conditions. Advanced modeling of protein sequence and biophysical properties (such as structural, functional, and spatial information, amino acid conservation, physicochemical variation, residue mobility, and thermodynamic stability) performed at Invitae indicates that this missense variant is expected to disrupt POLD1 protein function. In summary, the available evidence is currently insufficient to determine the role of this variant in disease. Therefore, it has been classified as a Variant of Uncertain Significance.